The following is an entry in ClinVar:

ClinVar aggregate classification (germline): Uncertain significance (1 of 4 stars; one submission).

Allele frequency attached by ClinVar (database versions not stated): gnomAD exomes below 0.00001.
gnomAD v4.1: 1 of 1,613,090 alleles (0.000062%); highest among the groups gnomAD compares: East Asian, 0.0022%; no homozygotes.

Submission:

Labcorp Genetics (formerly Invitae), Labcorp
Classification: Uncertain significance. Last evaluated: 2022-08-01. Review status: criteria provided, single submitter. Criteria: Invitae Variant Classification Sherloc (09022015). Collection method: clinical testing. Allele origin: germline.
Comment: In summary, the available evidence is currently insufficient to determine the role of this variant in disease. Therefore, it has been classified as a Variant of Uncertain Significance. Algorithms developed to predict the effect of missense changes on protein structure and function (SIFT, PolyPhen-2, Align-GVGD) all suggest that this variant is likely to be tolerated. This variant has not been reported in the literature in individuals affected with LRPPRC-related conditions. This variant is not present in population databases (gnomAD no frequency). This sequence change replaces aspartic acid, which is acidic and polar, with glycine, which is neutral and non-polar, at codon 1118 of the LRPPRC protein (p.Asp1118Gly).

NM_133259.4(LRPPRC):c.3353A>G (p.Asp1118Gly)

Gene: LRPPRC (leucine rich pentatricopeptide repeat containing; minus strand). Cytogenetic location: 2p21.
Variant type: single nucleotide variant.
Coding change: c.3353A>G on transcript NM_133259.4 (MANE Select); coding-DNA position 3353, A replaced by G.
Protein change: p.Asp1118Gly; replaces aspartic acid 1118 with glycine.
Molecular consequence: missense variant.
Genome position (GRCh38, 1-based): chr2:43,905,703, T>C on the plus strand (A>G on the coding strand, the complement: LRPPRC is on the minus strand). VCF-style: chr2-43905703-T-C. GRCh37 (hg19) VCF-style: chr2-44132842-T-C.
Other names: short protein forms D1118G.
Identifiers: ClinVar variation 1714674 (VCV001714674.5), dbSNP rs2466401124, ClinGen allele CA346664876.